The following is an entry in ClinVar:

ClinVar aggregate classification (germline): Benign/Likely benign. Review status: criteria provided, multiple submitters, no conflicts (2 of 4 stars). 5 submissions from 5 submitters: Benign (4); Likely benign (1). Last evaluated 2025-11-04.

Conditions:
Ectodermal dysplasia 10A, hypohidrotic/hair/nail type, autosomal dominant (ECTD10A). Also called: Ectodermal Dysplasia 3, Anhidrotic. Identifiers: Orphanet 1810, Orphanet 238468, MedGen C3888065, MONDO:0007509, OMIM 129490.
Autosomal recessive hypohidrotic ectodermal dysplasia syndrome. Also called: Autosomal recessive hypohidrotic ectodermal dysplasia. Identifiers: Orphanet 248, MedGen C0406702, MONDO:0016619.
Hypohidrotic ectodermal dysplasia (HED). Identifiers: Orphanet 238468, MedGen C5848103, MONDO:0016535, HP:0007607.

Allele frequency attached by ClinVar (database versions not stated): ESP Exome Variant Server 0.02122; TOPMed 0.02193; 1000 Genomes Project 30x 0.02280; 1000 Genomes Project 0.02236.
gnomAD v4.1: 5,790 of 1,609,768 alleles (0.36%); highest among the groups gnomAD compares: African/African-American, 6.8%; 184 homozygotes.

Submissions (5):

Labcorp Genetics (formerly Invitae), Labcorp
Classification: Benign for Ectodermal dysplasia 10A, hypohidrotic/hair/nail type, autosomal dominant; Autosomal recessive hypohidrotic ectodermal dysplasia syndrome. Last evaluated: 2025-11-04. Review status: criteria provided, single submitter. Criteria: Invitae Variant Classification Sherloc (09022015). Collection method: clinical testing. Allele origin: germline.

Illumina Laboratory Services, Illumina
Classification: Benign for Hypohidrotic ectodermal dysplasia. Last evaluated: 2018-01-13. Review status: criteria provided, single submitter. Criteria: ICSL Variant Classification Criteria 13 December 2019. Collection method: clinical testing. Allele origin: germline.
Comment: This variant was observed in the ICSL laboratory as part of a predisposition screen in an ostensibly healthy population. It had not been previously curated by ICSL or reported in the Human Gene Mutation Database (HGMD: prior to June 1st, 2018), and was therefore a candidate for classification through an automated scoring system. Utilizing variant allele frequency, disease prevalence and penetrance estimates, and inheritance mode, an automated score was calculated to assess if this variant is too frequent to cause the disease. Based on the score and internal cut-off values, a variant classified as benign is not then subjected to further curation. The score for this variant resulted in a classification of benign for this disease.

GeneDx
Classification: Benign. Last evaluated: 2015-03-03. Review status: criteria provided, single submitter. Criteria: GeneDx Variant Classification Process June 2021. Collection method: clinical testing. Allele origin: germline. Affected: yes.

Breakthrough Genomics
Classification: Likely benign. Review status: criteria provided, single submitter. Criteria: ACMG Guidelines, 2015. Collection method: not provided. Allele origin: germline. Inheritance: Autosomal recessive inheritance. Affected: yes.

PreventionGenetics, part of Exact Sciences
Classification: Benign. Review status: criteria provided, single submitter. Criteria: ACMG Guidelines, 2015. Collection method: clinical testing. Allele origin: germline.

NM_022336.4(EDAR):c.822C>A (p.Ser274=)

Genes: EDAR (ectodysplasin A receptor; minus strand), RANBP2 (RAN binding protein 2; plus strand). Cytogenetic location: 2q13.
Variant type: single nucleotide variant.
Coding change: c.822C>A on transcript NM_022336.4 (MANE Select); coding-DNA position 822, C replaced by A.
Protein change: p.Ser274=; no amino-acid change (serine 274 retained).
Molecular consequence: synonymous variant.
Genome position (GRCh38, 1-based): chr2:108,908,001, G>T on the plus strand (C>A on the coding strand, the complement: EDAR is on the minus strand). VCF-style: chr2-108908001-G-T. GRCh37 (hg19) VCF-style: chr2-109524457-G-T.
Identifiers: ClinVar variation 261573 (VCV000261573.22), dbSNP rs79648056, ClinGen allele CA1824909.